The following is an entry in ClinVar:

NM_007347.5(AP4E1):c.3132_3133del (p.Trp1045fs)

Gene: AP4E1 (adaptor related protein complex 4 subunit epsilon 1; plus strand). Cytogenetic location: 15q21.2.
Variant type: Microsatellite.
Coding change: c.3132_3133del on transcript NM_007347.5 (MANE Select); coding-DNA positions 3132 to 3133, 2 bases deleted (CT; older notation c.3132_3133delCT).
Protein change: p.Trp1045fs; shifts the reading frame from tryptophan 1045.
Molecular consequence: frameshift variant.
Genome position (GRCh38, 1-based): chr15:51,001,062-51,001,063, CT deleted; deleting any 2 consecutive bases within chr15:51,001,060-51,001,063 gives the same sequence; the c. name uses the placement nearest the transcript's 3' end. VCF-style (leftmost placement, unchanged base first): chr15-51001059-ACT-A. GRCh37 (hg19) VCF-style: chr15-51293256-ACT-A.
Other names: c.2907_2908del, p.Trp970fs (NM_001252127.2); short protein forms W970fs, W1045fs.
Identifiers: ClinVar variation 1944023 (VCV001944023.5), dbSNP rs1567269045, ClinGen allele CA645590121.

ClinVar aggregate classification (germline): Pathogenic (1 of 4 stars; one submission).

Conditions:
Spastic paraplegia. Identifiers: MedGen C0037772, HP:0001258.

Submission:

Labcorp Genetics (formerly Invitae), Labcorp
Classification: Pathogenic for Spastic paraplegia. Last evaluated: 2022-05-25. Review status: criteria provided, single submitter. Criteria: Invitae Variant Classification Sherloc (09022015). Collection method: clinical testing. Allele origin: germline.
Comment: For these reasons, this variant has been classified as Pathogenic. This variant has not been reported in the literature in individuals affected with AP4E1-related conditions. This variant is not present in population databases (gnomAD no frequency). This sequence change creates a premature translational stop signal (p.Trp1045Valfs*6) in the AP4E1 gene. It is expected to result in an absent or disrupted protein product. Loss-of-function variants in AP4E1 are known to be pathogenic (PMID: 21620353, 21937992, 23472171).

Literature cited by the submitters: PubMed 21620353; PubMed 21937992; PubMed 23472171.